The following is an entry in ClinVar:

NM_001042492.3(NF1):c.4321T>C (p.Leu1441=)

Gene: NF1 (neurofibromin 1; plus strand). Cytogenetic location: 17q11.2.
Variant type: single nucleotide variant.
Coding change: c.4321T>C on transcript NM_001042492.3 (MANE Select); coding-DNA position 4321, T replaced by C.
Protein change: p.Leu1441=; no amino-acid change (leucine 1441 retained).
Molecular consequence: synonymous variant.
Genome position (GRCh38, 1-based): chr17:31,258,491, T>C. VCF-style: chr17-31258491-T-C. GRCh37 (hg19) VCF-style: chr17-29585509-T-C.
Other names: c.4258T>C, p.Leu1420= (NM_000267.4).
Identifiers: ClinVar variation 184429 (VCV000184429.11), dbSNP rs786201458, ClinGen allele CA188939.

ClinVar aggregate classification (germline): Benign/Likely benign. Review status: criteria provided, multiple submitters, no conflicts (2 of 4 stars). 4 submissions from 4 submitters: Benign (1); Likely benign (3). Last evaluated 2026-05-19.

Conditions:
Hereditary cancer-predisposing syndrome. Also called: Tumor predisposition; Hereditary neoplastic syndrome; Neoplastic Syndromes, Hereditary; Hereditary Cancer Syndrome. Identifiers: Orphanet 140162, MedGen C0027672, MeSH D009386, MONDO:0015356.
Neurofibromatosis, type 1 (NF1). Also called: Neurofibromatosis, type I; NEUROFIBROMATOSIS, TYPE I, SOMATIC; VON RECKLINGHAUSEN DISEASE; Peripheral type neurofibromatosis. Identifiers: Orphanet 636, MedGen C0027831, MONDO:0018975, OMIM 162200. Disease mechanism: loss of function.

Allele frequency attached by ClinVar (database versions not stated): gnomAD exomes below 0.00001; TOPMed 0.00001.
gnomAD v4.1: 2 of 1,613,796 alleles (0.00012%); highest among the groups gnomAD compares: African/African-American, 0.0027%; no homozygotes.

Submissions (4):

Myriad Genetics, Inc.
Classification: Benign for Neurofibromatosis, type 1. Last evaluated: 2026-05-19. Review status: criteria provided, single submitter. Criteria: Myriad Autosomal Dominant, Autosomal Recessive and X-Linked Classification Criteria (2023). Collection method: clinical testing. Allele origin: unknown.
Comment: This variant is considered benign. This variant is a silent/synonymous amino acid change and it is not expected to impact splicing.

Labcorp Genetics (formerly Invitae), Labcorp
Classification: Likely benign for Neurofibromatosis, type 1. Last evaluated: 2025-09-13. Review status: criteria provided, single submitter. Criteria: Invitae Variant Classification Sherloc (09022015). Collection method: clinical testing. Allele origin: germline.

Genome-Nilou Lab
Classification: Likely benign for Neurofibromatosis, type 1. Last evaluated: 2022-03-15. Review status: criteria provided, single submitter. Criteria: ACMG Guidelines, 2015. Collection method: clinical testing. Allele origin: germline. Affected: no.

Ambry Genetics
Classification: Likely benign for Hereditary cancer-predisposing syndrome. Last evaluated: 2014-01-15. Review status: criteria provided, single submitter. Criteria: Ambry Autosomal Dominant and X-Linked criteria (10/2015). Collection method: clinical testing. Allele origin: germline. Observed: 1 variant allele.